The following is an entry in ClinVar:

NM_000069.3(CACNA1S):c.2000C>T (p.Ala667Val)

Gene: CACNA1S (calcium voltage-gated channel subunit alpha1 S; minus strand). Cytogenetic location: 1q32.1.
Variant type: single nucleotide variant.
Coding change: c.2000C>T on transcript NM_000069.3 (MANE Select); coding-DNA position 2000, C replaced by T.
Protein change: p.Ala667Val; replaces alanine 667 with valine.
Molecular consequence: missense variant.
Genome position (GRCh38, 1-based): chr1:201,074,569, G>A on the plus strand (C>T on the coding strand, the complement: CACNA1S is on the minus strand). VCF-style: chr1-201074569-G-A. GRCh37 (hg19) VCF-style: chr1-201043697-G-A.
Other names: short protein forms A667V.
Identifiers: ClinVar variation 939729 (VCV000939729.11), dbSNP rs753183910, ClinGen allele CA078744.

ClinVar aggregate classification (germline): Uncertain significance. Review status: criteria provided, multiple submitters, no conflicts (2 of 4 stars). 3 submissions from 3 submitters: Uncertain significance (3). Last evaluated 2026-05-01.

Conditions:
Malignant hyperthermia, susceptibility to, 5 (MHS5). Also called: CACNA1S-Related Malignant Hyperthermia Susceptibility. Identifiers: Orphanet 423, MedGen C1866077, MONDO:0011163, OMIM 601887.
Hypokalemic periodic paralysis, type 1. Also called: HypoPP; Hypokalemic Periodic Paralysis Type 1 (AD). Identifiers: Orphanet 681, MedGen C3714580, MONDO:0042979, OMIM 170400.

Allele frequency attached by ClinVar (database versions not stated): gnomAD 0.00001; ExAC 0.00002; TOPMed 0.00002.

Submissions (3):

CeGaT Center for Human Genetics Tuebingen
Classification: Uncertain significance. Last evaluated: 2026-05-01. Review status: criteria provided, single submitter. Criteria: CeGaT Center For Human Genetics Tuebingen Variant Classification Criteria Version 2. Collection method: clinical testing. Allele origin: germline. Affected: yes. Observed: 1 variant allele.
Comment: CACNA1S: PM2:Supporting, PP3

Color Diagnostics, LLC DBA Color Health
Classification: Uncertain significance for Malignant hyperthermia, susceptibility to, 5. Last evaluated: 2024-05-21. Review status: criteria provided, single submitter. Criteria: ACMG Guidelines, 2015. Collection method: clinical testing. Allele origin: germline.
Comment: This missense variant replaces alanine with valine at codon 667 of the CACNA1S protein. Computational prediction suggests that this variant may have deleterious impact on protein structure and function. To our knowledge, functional studies have not been reported for this variant. This variant has not been reported in individuals affected with CACNA1S-related disorders in the literature. This variant has been identified in 4/251184 chromosomes in the general population by the Genome Aggregation Database (gnomAD). The available evidence is insufficient to determine the role of this variant in disease conclusively. Therefore, this variant is classified as a Variant of Uncertain Significance.

Labcorp Genetics (formerly Invitae), Labcorp
Classification: Uncertain significance for Hypokalemic periodic paralysis, type 1; Malignant hyperthermia, susceptibility to, 5. Last evaluated: 2019-10-23. Review status: criteria provided, single submitter. Criteria: Invitae Variant Classification Sherloc (09022015). Collection method: clinical testing. Allele origin: germline.
Comment: In summary, the available evidence is currently insufficient to determine the role of this variant in disease. Therefore, it has been classified as a Variant of Uncertain Significance. Algorithms developed to predict the effect of missense changes on protein structure and function are either unavailable or do not agree on the potential impact of this missense change (SIFT: "Deleterious"; PolyPhen-2: "Probably Damaging"; Align-GVGD: "Class C0"). This variant has not been reported in the literature in individuals with CACNA1S-related conditions. This variant is present in population databases (rs753183910, ExAC 0.003%). This sequence change replaces alanine with valine at codon 667 of the CACNA1S protein (p.Ala667Val). The alanine residue is highly conserved and there is a small physicochemical difference between alanine and valine.